The following is an entry in ClinVar:

NM_005670.4(EPM2A):c.82_154del (p.Glu28fs)

Genes: EPM2A (EPM2A glucan phosphatase, laforin; minus strand), EPM2A-DT (EPM2A divergent transcript; plus strand), LOC129997381 (ATAC-STARR-seq lymphoblastoid silent region 17642; plus strand). Cytogenetic location: 6q24.3.
Variant type: Deletion.
Coding change: c.82_154del on transcript NM_005670.4 (MANE Select); coding-DNA positions 82 to 154, 73 bases deleted.
Protein change: p.Glu28fs; shifts the reading frame from glutamic acid 28.
Molecular consequence: frameshift variant. On other transcripts: 5 prime UTR variant (3), intron variant (1).
Genome position (GRCh38, 1-based): chr6:145,735,345-145,735,417, 73 bases deleted. GRCh37 (hg19): chr6:146,056,486-146,056,558.
Other names: c.82_154del, p.Glu28fs (NM_001018041.2, NM_001360057.2, NM_001368130.1); c.-588_-516del (NM_001360071.2); c.-542_-470del (NM_001368129.2); c.-286_-214del (NM_001368131.1); c.-114+491_-114+563del (NM_001360064.2); short protein forms E28fs.
Identifiers: ClinVar variation 3234973 (VCV003234973.1), dbSNP rs2534173846, ClinGen allele CA2825001454.

ClinVar aggregate classification (germline): Likely pathogenic (1 of 4 stars; one submission).

Conditions:
Myoclonic epilepsy of Lafora 1 (MELF1). Also called: EPM2A-Related Lafora Disease; LAFORA DISEASE 1; Epilepsy, progressive myoclonic 2A (Lafora); EPILEPSY, PROGRESSIVE MYOCLONIC, 2A. Identifiers: MedGen CN377204, MONDO:0958199, OMIM 254780.

Submission:

Neuberg Centre For Genomic Medicine, NCGM
Classification: Likely pathogenic for Myoclonic epilepsy of Lafora 1. Review status: criteria provided, single submitter. Criteria: ACMG Guidelines, 2015. Collection method: clinical testing. Allele origin: germline. Inheritance: Autosomal recessive inheritance. Affected: yes.
Comment: The frameshift c.82_154delp.Glu28TrpfsTer38 variant in EPM2A gene has not been reported previously as a pathogenic variant nor as a benign variant, to our knowledge. This variant is novel not in any individuals in gnomAD Exomes and 1000 Genomes. This variant causes a frameshift starting with codon Glutamic Acid 28, changes this amino acid to Tryptophan residue, and creates a premature Stop codon at position 38 of the new reading frame, denoted p.Glu28TrpfsTer38. This variant is predicted to cause loss of normal protein function either through protein truncation or nonsense-mediated mRNA decay. Loss of function variants have been previously reported to be disease causing. For these reasons, this variant has been classified as Likely Pathogenic.